The following is an entry in ClinVar:

ClinVar aggregate classification (germline): Uncertain significance. Review status: criteria provided, multiple submitters, no conflicts (2 of 4 stars). 2 submissions from 2 submitters: Uncertain significance (2). Last evaluated 2026-08-15.

Conditions:
PCNT-related disorder. Also called: PCNT-related condition.

Allele frequency attached by ClinVar (database versions not stated): ExAC 0.00003.
gnomAD v4.1: 14 of 1,560,784 alleles (0.0009%); highest among the groups gnomAD compares: East Asian, 0.0094%; no homozygotes.

Submissions (2):

PreventionGenetics, part of Exact Sciences
Classification: Uncertain significance for PCNT-related condition. Last evaluated: 2026-08-15. Review status: criteria provided, single submitter. Criteria: ACMG Guidelines, 2015. Collection method: clinical testing. Allele origin: germline.
Comment: The PCNT c.5768G>A variant is predicted to result in the amino acid substitution p.Arg1923Gln. To our knowledge, this variant has not been reported in the literature. This variant is reported in 0.0038% of alleles in individuals of South Asian descent in gnomAD. At this time, the clinical significance of this variant is uncertain due to the absence of conclusive functional and genetic evidence.

Labcorp Genetics (formerly Invitae), Labcorp
Classification: Uncertain significance. Last evaluated: 2022-03-29. Review status: criteria provided, single submitter. Criteria: Invitae Variant Classification Sherloc (09022015). Collection method: clinical testing. Allele origin: germline.
Comment: This sequence change replaces arginine, which is basic and polar, with glutamine, which is neutral and polar, at codon 1923 of the PCNT protein (p.Arg1923Gln). This variant is present in population databases (rs779223539, gnomAD 0.004%). This variant has not been reported in the literature in individuals affected with PCNT-related conditions. Algorithms developed to predict the effect of missense changes on protein structure and function (SIFT, PolyPhen-2, Align-GVGD) all suggest that this variant is likely to be tolerated. In summary, the available evidence is currently insufficient to determine the role of this variant in disease. Therefore, it has been classified as a Variant of Uncertain Significance.

NM_006031.6(PCNT):c.5768G>A (p.Arg1923Gln)

Gene: PCNT (pericentrin; plus strand). Cytogenetic location: 21q22.3.
Variant type: single nucleotide variant.
Coding change: c.5768G>A on transcript NM_006031.6 (MANE Select); coding-DNA position 5768, G replaced by A.
Protein change: p.Arg1923Gln; replaces arginine 1923 with glutamine.
Molecular consequence: missense variant.
Genome position (GRCh38, 1-based): chr21:46,411,841, G>A. VCF-style: chr21-46411841-G-A. GRCh37 (hg19) VCF-style: chr21-47831755-G-A.
Other names: c.5414G>A, p.Arg1805Gln (NM_001315529.2); c.5768G>A (NM_006031.5); short protein forms R1805Q, R1923Q.
Identifiers: ClinVar variation 2118577 (VCV002118577.3), dbSNP rs779223539, ClinGen allele CA10080086.
Genomic context (GRCh38, chr21:46,411,841, plus strand): 5'-GCGCCCTGGAGCAGCAGCCCCTGGCAGCCGGGGCGGCGCCTCCCGAGCTGCAGTGGCTCC[G>A]AGCGCAGTGTGCCCGCCTCAGCCGCCAGCTGCAGGTGCTGCACCAGCGGTTCCTGAGGTG-3'
Protein context (NP_006022.3, residues 1913-1933): GAAPPELQWL[Arg1923Gln]AQCARLSRQL